The following is an entry in ClinVar:

NM_001267550.2(TTN):c.73673del (p.Lys24558fs)

Genes: TTN (titin; minus strand), TTN-AS1 (TTN antisense RNA 1; plus strand). Cytogenetic location: 2q31.2.
Variant type: Deletion.
Coding change: c.73673del on transcript NM_001267550.2 (MANE Select); coding-DNA position 73673, one base deleted (A; older notation c.73673delA).
Protein change: p.Lys24558fs; shifts the reading frame from lysine 24558.
Molecular consequence: frameshift variant.
Genome position (GRCh38, 1-based): chr2:178,572,459, T deleted on the plus strand (A on the coding strand, the reverse complement: TTN is on the minus strand); the first of 4 consecutive T bases (chr2:178,572,459-178,572,462); deleting any one gives the same sequence. VCF-style (leftmost placement, unchanged base first): chr2-178572458-CT-C. GRCh37 (hg19) VCF-style: chr2-179437185-CT-C.
Other names: c.68750del, p.Lys22917fs (NM_001256850.1); c.46478del, p.Lys15493fs (NM_003319.4); c.65969del, p.Lys21990fs (NM_133378.4); c.46853del, p.Lys15618fs (NM_133432.3); c.47054del, p.Lys15685fs (NM_133437.4); c.46478delA (NM_003319.4); short protein forms K15618fs, K15685fs, K21990fs, K24558fs, K15493fs, K22917fs.
Identifiers: ClinVar variation 3463808 (VCV003463808.1).

ClinVar aggregate classification (germline): Likely pathogenic (1 of 4 stars; one submission).

Conditions:
Cardiovascular phenotype. Identifiers: MedGen CN230736.

Submission:

Ambry Genetics
Classification: Likely pathogenic for Cardiovascular phenotype. Last evaluated: 2024-10-08. Review status: criteria provided, single submitter. Criteria: Ambry Variant Classification Scheme 2023. Collection method: clinical testing. Allele origin: germline.
Comment: The c.46478delA variant, located in coding exon 153 of the TTN gene, results from a deletion of one nucleotide at nucleotide position 46478, causing a translational frameshift with a predicted alternate stop codon (p.K15493Sfs*23). This exon is located in the A-band region of the N2-B isoform of the titin protein and is constitutively expressed in TTN transcripts (percent spliced in or PSI 100%). This variant is considered to be rare based on population cohorts in the Genome Aggregation Database (gnomAD). This alteration is expected to result in loss of function by premature protein truncation or nonsense-mediated mRNA decay. While truncating variants in TTN are present in 1-3% of the general population, truncating variants in the A-band are the most common cause of dilated cardiomyopathy (DCM) (Herman DS et al. N. Engl. J. Med., 2012 Feb;366:619-28; Roberts AM et al. Sci Transl Med, 2015 Jan;7:270ra6). TTN truncating variants encoded in constitutive exons (PSI >90%) have been found to be significantly associated with DCM regardless of their position in titin (Schafer S et al. Nat. Genet., 2017 01;49:46-53). Based on the majority of available evidence to date, this variant is likely to be pathogenic.